The following is an entry in ClinVar:

ClinVar aggregate classification (germline): Pathogenic. Review status: criteria provided, multiple submitters, no conflicts (2 of 4 stars). 2 submissions from 2 submitters: Pathogenic (2). Last evaluated 2024-03-26.

Conditions:
Alstrom syndrome (ALMS). Identifiers: Orphanet 64, MedGen C0268425, MONDO:0008763, OMIM 203800.

Submissions (2):

Women's Health and Genetics/Laboratory Corporation of America, LabCorp
Classification: Pathogenic for Alstrom syndrome. Last evaluated: 2024-03-26. Review status: criteria provided, single submitter. Criteria: LabCorp Variant Classification Summary - May 2015. Collection method: clinical testing. Allele origin: germline.
Comment: Variant summary: ALMS1 c.5022C>G (p.Tyr1674X) results in a premature termination codon, predicted to cause absence of the protein due to nonsense mediated decay, which is a commonly known mechanism for disease. The variant was absent in 249268 control chromosomes (gnomAD). c.5022C>G has been reported in the literature in an individual(s) affected with Alstrom Syndrome (e.g. Zhang_2022). The following publication has been ascertained in the context of this evaluation (PMID: 35211159). ClinVar contains an entry for this variant (Variation ID: 1939372). Based on the evidence outlined above, the variant was classified as pathogenic.

Labcorp Genetics (formerly Invitae), Labcorp
Classification: Pathogenic for Alstrom syndrome. Last evaluated: 2022-03-31. Review status: criteria provided, single submitter. Criteria: Invitae Variant Classification Sherloc (09022015). Collection method: clinical testing. Allele origin: germline.
Comment: For these reasons, this variant has been classified as Pathogenic. This variant has not been reported in the literature in individuals affected with ALMS1-related conditions. This variant is not present in population databases (gnomAD no frequency). This sequence change creates a premature translational stop signal (p.Tyr1676*) in the ALMS1 gene. It is expected to result in an absent or disrupted protein product. Loss-of-function variants in ALMS1 are known to be pathogenic (PMID: 17594715).

Literature cited by the submitters: PubMed 35211159 (cited by Women's Health and Genetics/Laboratory Corporation of America, LabCorp); PubMed 17594715 (cited by Labcorp Genetics (formerly Invitae), Labcorp).

NM_001378454.1(ALMS1):c.5025C>G (p.Tyr1675Ter)

Gene: ALMS1 (ALMS1 centrosome and basal body associated protein; plus strand). Cytogenetic location: 2p13.1.
Variant type: single nucleotide variant.
Coding change: c.5025C>G on transcript NM_001378454.1 (MANE Select); coding-DNA position 5025, C replaced by G.
Protein change: p.Tyr1675Ter; replaces tyrosine 1675 with a stop codon.
Molecular consequence: nonsense.
Genome position (GRCh38, 1-based): chr2:73,451,552, C>G. VCF-style: chr2-73451552-C-G. GRCh37 (hg19) VCF-style: chr2-73678679-C-G.
Other names: c.5028C>G, p.Tyr1676Ter (NM_015120.4); short protein forms Y1676*, Y1675*.
Identifiers: ClinVar variation 1939372 (VCV001939372.7), dbSNP rs2103784887, ClinGen allele CA347279760.